The following is an entry in ClinVar:

NM_001042492.3(NF1):c.4256T>G (p.Val1419Gly)

Gene: NF1 (neurofibromin 1; plus strand). Cytogenetic location: 17q11.2.
Variant type: single nucleotide variant.
Coding change: c.4256T>G on transcript NM_001042492.3 (MANE Select); coding-DNA position 4256, T replaced by G.
Protein change: p.Val1419Gly; replaces valine 1419 with glycine.
Molecular consequence: missense variant.
Genome position (GRCh38, 1-based): chr17:31,258,426, T>G. VCF-style: chr17-31258426-T-G. GRCh37 (hg19) VCF-style: chr17-29585444-T-G.
Other names: c.4193T>G, p.Val1398Gly (NM_000267.4); short protein forms V1419G, V1398G.
Identifiers: ClinVar variation 2819802 (VCV002819802.3), dbSNP rs1555618528, ClinGen allele CA398997917.

ClinVar aggregate classification (germline): Uncertain significance (1 of 4 stars; one submission).

Conditions:
Neurofibromatosis, type 1 (NF1). Also called: VON RECKLINGHAUSEN DISEASE; Peripheral type neurofibromatosis; Neurofibromatosis, type I; NEUROFIBROMATOSIS, TYPE I, SOMATIC. Identifiers: Orphanet 636, MedGen C0027831, MONDO:0018975, OMIM 162200. Disease mechanism: loss of function.

Submission:

Labcorp Genetics (formerly Invitae), Labcorp
Classification: Uncertain significance for Neurofibromatosis, type 1. Last evaluated: 2022-12-10. Review status: criteria provided, single submitter. Criteria: Invitae Variant Classification Sherloc (09022015). Collection method: clinical testing. Allele origin: germline.
Comment: This sequence change replaces valine, which is neutral and non-polar, with glycine, which is neutral and non-polar, at codon 1398 of the NF1 protein (p.Val1398Gly). This variant is not present in population databases (gnomAD no frequency). This variant has not been reported in the literature in individuals affected with NF1-related conditions. Advanced modeling of protein sequence and biophysical properties (such as structural, functional, and spatial information, amino acid conservation, physicochemical variation, residue mobility, and thermodynamic stability) performed at Invitae indicates that this missense variant is expected to disrupt NF1 protein function. In summary, the available evidence is currently insufficient to determine the role of this variant in disease. Therefore, it has been classified as a Variant of Uncertain Significance.